The following is an entry in ClinVar:

NM_000384.3(APOB):c.1640C>A (p.Thr547Asn)

Gene: APOB (apolipoprotein B; minus strand). Cytogenetic location: 2p24.1.
Variant type: single nucleotide variant.
Coding change: c.1640C>A on transcript NM_000384.3 (MANE Select); coding-DNA position 1640, C replaced by A.
Protein change: p.Thr547Asn; replaces threonine 547 with asparagine.
Molecular consequence: missense variant.
Genome position (GRCh38, 1-based): chr2:21,028,516, G>T on the plus strand (C>A on the coding strand, the complement: APOB is on the minus strand). VCF-style: chr2-21028516-G-T. GRCh37 (hg19) VCF-style: chr2-21251388-G-T.
Other names: short protein forms T547N.
Identifiers: ClinVar variation 1777026 (VCV001777026.8), dbSNP rs139176904, ClinGen allele CA054275.

ClinVar aggregate classification (germline): Conflicting classifications of pathogenicity. Review status: criteria provided, conflicting classifications (1 of 4 stars). 3 submissions from 3 submitters: Uncertain significance (2); Benign (1). Last evaluated 2025-12-01.

Conditions:
Cardiovascular phenotype. Identifiers: MedGen CN230736.
Familial hypobetalipoproteinemia 1. Also called: Hypobetalipoproteinemia, normotriglyceridemic; Acanthocytosis with hypobetalipoproteinemia; APOB-Related Familial Hypobetalipoproteinemia. Identifiers: MedGen C4551990, MONDO:0014252, OMIM 615558.
Hypercholesterolemia, autosomal dominant, type B (FHCL2). Also called: Familial Hypercholesterolemia Type B; APOLIPOPROTEIN B-100, FAMILIAL DEFECTIVE; APOLIPOPROTEIN B-100, FAMILIAL LIGAND-DEFECTIVE; HYPERCHOLESTEROLEMIA, FAMILIAL, DUE TO LIGAND-DEFECTIVE APOLIPOPROTEIN B; Familial hypercholesterolemia 2; APOB-Related Familial Hypercholesterolemia, Autosomal Dominant. Identifiers: MedGen C1704417, MONDO:0007751, OMIM 144010.

Allele frequency attached by ClinVar (database versions not stated): gnomAD 0.00005; TOPMed 0.00005; ESP Exome Variant Server 0.00015.
gnomAD v4.1: 22 of 1,612,902 alleles (0.0014%); highest among the groups gnomAD compares: African/African-American, 0.027%; no homozygotes.

Submissions (3):

Ambry Genetics
Classification: Uncertain significance for Cardiovascular phenotype. Last evaluated: 2025-12-01. Review status: criteria provided, single submitter. Criteria: Ambry Variant Classification Scheme 2023. Collection method: clinical testing. Allele origin: germline.
Comment: The p.T547N variant (also known as c.1640C>A), located in coding exon 13 of the APOB gene, results from a C to A substitution at nucleotide position 1640. The threonine at codon 547 is replaced by asparagine, an amino acid with similar properties. This amino acid position is conserved. In addition, this alteration is predicted to be tolerated by in silico analysis. Since supporting evidence is limited at this time, the clinical significance of this alteration remains unclear.

Labcorp Genetics (formerly Invitae), Labcorp
Classification: Benign for Familial hypobetalipoproteinemia 1; Hypercholesterolemia, autosomal dominant, type B. Last evaluated: 2025-05-27. Review status: criteria provided, single submitter. Criteria: Invitae Variant Classification Sherloc (09022015). Collection method: clinical testing. Allele origin: germline.

GeneDx
Classification: Uncertain significance. Last evaluated: 2025-02-13. Review status: criteria provided, single submitter. Criteria: GeneDx Variant Classification Process June 2021. Collection method: clinical testing. Allele origin: germline. Affected: yes.
Comment: In silico analysis supports that this missense variant has a deleterious effect on protein structure/function; Has not been previously published as pathogenic or benign to our knowledge